The following is an entry in ClinVar:

ClinVar aggregate classification (germline): Uncertain significance (1 of 4 stars; one submission).

Allele frequency attached by ClinVar (database versions not stated): gnomAD 0.00001 and 0.00002; gnomAD exomes 0.00001 and 0.00008; TOPMed 0.00002; ExAC 0.00008.

Submission:

Labcorp Genetics (formerly Invitae), Labcorp
Classification: Uncertain significance. Last evaluated: 2023-05-22. Review status: criteria provided, single submitter. Criteria: Invitae Variant Classification Sherloc (09022015). Collection method: clinical testing. Allele origin: germline.
Comment: This sequence change creates a premature translational stop signal (p.Leu1074Glyfs*36) in the MYH7B gene. It is expected to result in an absent or disrupted protein product. However, the current clinical and genetic evidence is not sufficient to establish whether loss-of-function variants in MYH7B cause disease. In summary, the available evidence is currently insufficient to determine the role of this variant in disease. Therefore, it has been classified as a Variant of Uncertain Significance. ClinVar contains an entry for this variant (Variation ID: 1360479). This variant has not been reported in the literature in individuals affected with MYH7B-related conditions. This variant is present in population databases (rs777720986, gnomAD 0.1%), and has an allele count higher than expected for a pathogenic variant.

NM_020884.7(MYH7B):c.3087_3093dup (p.Leu1032fs)

Gene: MYH7B (myosin heavy chain 7B; plus strand). Cytogenetic location: 20q11.22.
Variant type: Duplication.
Coding change: c.3087_3093dup on transcript NM_020884.7 (MANE Select); coding-DNA positions 3087 to 3093, 7 bases duplicated (GGCCAAG; older notation c.3087_3093dupGGCCAAG).
Protein change: p.Leu1032fs; shifts the reading frame from leucine 1032.
Molecular consequence: frameshift variant.
Genome position (GRCh38, 1-based): chr20:34,996,489-34,996,495, GGCCAAG duplicated. VCF-style (leftmost placement, unchanged base first): chr20-34996488-A-AGGCCAAG. GRCh37 (hg19) VCF-style: chr20-33584291-A-AGGCCAAG.
Other names: short protein forms L1032fs.
Identifiers: ClinVar variation 1360479 (VCV001360479.7), dbSNP rs777720986, ClinGen allele CA9827604.